The following is an entry in ClinVar:

ClinVar aggregate classification (germline): Likely benign. Review status: criteria provided, multiple submitters, no conflicts (2 of 4 stars). 3 submissions from 3 submitters: Likely benign (2). 1 of the submissions does not count toward it. Last evaluated 2025-09-15.

Conditions:
TWNK-related disorder. Also called: TWNK-related condition.

Allele frequency attached by ClinVar (database versions not stated): gnomAD 0.00001; TOPMed 0.00001; ExAC 0.00003; gnomAD exomes 0.00003; 1000 Genomes Project 30x 0.00016; 1000 Genomes Project 0.00020.
gnomAD v4.1: 45 of 1,614,152 alleles (0.0028%); highest among the groups gnomAD compares: South Asian, 0.0055%; no homozygotes.

Submissions (3):

Labcorp Genetics (formerly Invitae), Labcorp
Classification: Likely benign. Last evaluated: 2025-09-15. Review status: criteria provided, single submitter. Criteria: Invitae Variant Classification Sherloc (09022015). Collection method: clinical testing. Allele origin: germline.

Blueprint Genetics
Classification: Likely benign. Last evaluated: 2024-08-09. Review status: criteria provided, single submitter. Criteria: ACMG Guidelines, 2015. Collection method: clinical testing. Allele origin: germline.

PreventionGenetics, part of Exact Sciences
Classification: Likely benign for TWNK-related condition. Last evaluated: 2022-05-25. Review status: no assertion criteria provided. Collection method: clinical testing. Allele origin: germline. Not counted in ClinVar's aggregate classification.
Comment: This variant is classified as likely benign based on ACMG/AMP sequence variant interpretation guidelines (Richards et al. 2015 PMID: 25741868, with internal and published modifications).

NM_021830.5(TWNK):c.1854G>A (p.Pro618=)

Gene: TWNK (twinkle mtDNA helicase; plus strand). Cytogenetic location: 10q24.31.
Variant type: single nucleotide variant.
Coding change: c.1854G>A on transcript NM_021830.5 (MANE Select); coding-DNA position 1854, G replaced by A.
Protein change: p.Pro618=; no amino-acid change (proline 618 retained).
Molecular consequence: synonymous variant. On other transcripts: 3 prime UTR variant (2), non-coding transcript variant (5).
Genome position (GRCh38, 1-based): chr10:100,993,309, G>A. VCF-style: chr10-100993309-G-A. GRCh37 (hg19) VCF-style: chr10-102753066-G-A.
Other names: c.*149G>A (NM_001163812.2, NM_001163814.2); c.492G>A, p.Pro164= (NM_001163813.2, NM_001368275.1); c.1854G>A (NM_021830.4).
Identifiers: ClinVar variation 1638267 (VCV001638267.11), dbSNP rs544684533, ClinGen allele CA5653355.
Genomic context (GRCh38, chr10:100,993,309, plus strand): 5'-AGGGAAACGGTATCTGCAGGTGTCCAAGAACCGCTTTGATGGAGATGTAGGTGTCTTCCC[G>A]CTTGAGTTCAACAAGAACTCCCTCACCTTCTCCATTCCACCAAAGAACAAGGCCCGGCTC-3'
Protein context (NP_068602.2, residues 608-628): NRFDGDVGVF[Pro618=]LEFNKNSLTF